The following is an entry in ClinVar:

ClinVar aggregate classification (germline): Likely benign (1 of 4 stars; one submission).

Submission:

CeGaT Center for Human Genetics Tuebingen
Classification: Likely benign. Last evaluated: 2025-11-01. Review status: criteria provided, single submitter. Criteria: CeGaT Center For Human Genetics Tuebingen Variant Classification Criteria Version 2. Collection method: clinical testing. Allele origin: germline. Affected: yes. Observed: 9 variant alleles.
Comment: CTBP1: BS1

NM_001012614.2(CTBP1):c.162+339_162+408del

Gene: CTBP1 (C-terminal binding protein 1; minus strand). Cytogenetic location: 4p16.3.
Variant type: Deletion.
Coding change: c.162+339_162+408del on transcript NM_001012614.2 (MANE Select); bases 339 to 408 of the intron after coding-DNA position 162, 70 bases deleted.
Molecular consequence: intron variant.
Genome position (GRCh38, 1-based): chr4:1,237,775-1,237,844, 70 bases deleted. GRCh37 (hg19): chr4:1,231,601-1,231,670.
Other names: c.162+339_162+408del (NM_001377192.1, NM_001377189.1, NM_001377193.1 and 4 more transcripts); c.195+339_195+408del (NM_001328.3, NM_001377186.1).
Identifiers: ClinVar variation 2654552 (VCV002654552.24), dbSNP rs1731708139, ClinGen allele CA549265607.